The following is an entry in ClinVar:

ClinVar aggregate classification (germline): Conflicting classifications of pathogenicity. Review status: criteria provided, conflicting classifications (1 of 4 stars). 3 submissions from 3 submitters: Uncertain significance (1); Likely benign (1). 1 of the submissions does not count toward it. Last evaluated 2025-08-07.

Conditions:
MASTL-related disorder. Also called: MASTL-related condition.

Allele frequency attached by ClinVar (database versions not stated): ExAC 0.00042; ESP Exome Variant Server 0.00123; 1000 Genomes Project 0.00140; 1000 Genomes Project 30x 0.00141; gnomAD 0.00157; TOPMed 0.00189.
gnomAD v4.1: 449 of 1,614,142 alleles (0.028%); highest among the groups gnomAD compares: African/African-American, 0.52%; 1 homozygote.

Submissions (3):

Ambry Genetics
Classification: Uncertain significance. Last evaluated: 2025-08-07. Review status: criteria provided, single submitter. Criteria: Ambry Variant Classification Scheme 2023. Collection method: clinical testing. Allele origin: germline.

Blueprint Genetics
Classification: Likely benign. Last evaluated: 2024-10-07. Review status: criteria provided, single submitter. Criteria: ACMG Guidelines, 2015. Collection method: clinical testing. Allele origin: germline.

PreventionGenetics, part of Exact Sciences
Classification: Likely benign for MASTL-related condition. Last evaluated: 2022-09-22. Review status: no assertion criteria provided. Collection method: clinical testing. Allele origin: germline. Not counted in ClinVar's aggregate classification.
Comment: This variant is classified as likely benign based on ACMG/AMP sequence variant interpretation guidelines (Richards et al. 2015 PMID: 25741868, with internal and published modifications).

NM_001172303.3(MASTL):c.1186G>C (p.Glu396Gln)

Gene: MASTL (microtubule associated serine/threonine kinase like; plus strand). Cytogenetic location: 10p12.1.
Variant type: single nucleotide variant.
Coding change: c.1186G>C on transcript NM_001172303.3 (MANE Select); coding-DNA position 1186, G replaced by C.
Protein change: p.Glu396Gln; replaces glutamic acid 396 with glutamine.
Molecular consequence: missense variant. On other transcripts: non-coding transcript variant (1).
Genome position (GRCh38, 1-based): chr10:27,170,145, G>C. VCF-style: chr10-27170145-G-C. GRCh37 (hg19) VCF-style: chr10-27459074-G-C.
Other names: c.1186G>C (NM_032844.3); c.1186G>C, p.Glu396Gln (NM_001172304.3, NM_001320756.2, NM_001320757.2 and 1 more transcripts); c.703G>C, p.Glu235Gln (NM_001372029.1, NM_001372030.1); short protein forms E235Q, E396Q.
Identifiers: ClinVar variation 3040054 (VCV003040054.4), dbSNP rs141882356, ClinGen allele CA5450171.